The following is an entry in ClinVar:

NM_015215.4(CAMTA1):c.3941G>A (p.Gly1314Glu)

Genes: CAMTA1 (calmodulin binding transcription activator 1; plus strand), LOC126805603 (CDK7 strongly-dependent group 2 enhancer GRCh37_chr1:7798026-7799225; plus strand). Cytogenetic location: 1p36.23.
Variant type: single nucleotide variant.
Coding change: c.3941G>A on transcript NM_015215.4 (MANE Select); coding-DNA position 3941, G replaced by A.
Protein change: p.Gly1314Glu; replaces glycine 1314 with glutamic acid.
Molecular consequence: missense variant. On other transcripts: intron variant (13).
Genome position (GRCh38, 1-based): chr1:7,738,241, G>A. VCF-style: chr1-7738241-G-A. GRCh37 (hg19) VCF-style: chr1-7798301-G-A.
Other names: c.731-57G>A (NM_001349621.1, NM_001349625.2, NM_001349623.1 and 5 more transcripts); c.3851G>A, p.Gly1284Glu (NM_001349608.2); c.1070G>A, p.Gly357Glu (NM_001349613.1); c.1013G>A, p.Gly338Glu (NM_001349614.1, NM_001349615.2, NM_001349616.2 and 2 more transcripts); c.3659-57G>A (NM_001349609.2, NM_001349610.2, NM_001410737.1); c.3587-57G>A (NM_001410738.1); c.3569-57G>A (NM_001349612.2); short protein forms G1284E, G1314E, G338E, G357E.
Identifiers: ClinVar variation 2575019 (VCV002575019.1), dbSNP rs2523240902, ClinGen allele CA338133417.

ClinVar aggregate classification (germline): Uncertain significance (1 of 4 stars; one submission).

Submission:

GeneDx
Classification: Uncertain significance. Last evaluated: 2023-02-07. Review status: criteria provided, single submitter. Criteria: GeneDx Variant Classification Process June 2021. Collection method: clinical testing. Allele origin: germline. Affected: yes.
Comment: Not observed at significant frequency in large population cohorts (gnomAD); In silico analysis supports that this missense variant does not alter protein structure/function; Has not been previously published as pathogenic or benign to our knowledge